The following is an entry in ClinVar:

ClinVar aggregate classification (germline): Uncertain significance (1 of 4 stars; one submission).

Conditions:
PLXNA2-related disorder. Also called: PLXNA2-related condition.

gnomAD v4.1: 6 of 1,614,084 alleles (0.00037%); highest among the groups gnomAD compares: South Asian, 0.0011%; no homozygotes.

Submission:

PreventionGenetics, part of Exact Sciences
Classification: Uncertain significance for PLXNA2-related condition. Last evaluated: 2025-12-18. Review status: criteria provided, single submitter. Criteria: ACMG Guidelines, 2015. Collection method: clinical testing. Allele origin: germline.
Comment: The PLXNA2 c.3784C>T variant is predicted to result in the amino acid substitution p.Arg1262Cys. To our knowledge, this variant has not been reported in the literature. This variant is reported in 0.0% of alleles in individuals of African descent in gnomAD. At this time, the clinical significance of this variant is uncertain due to the absence of conclusive functional and genetic evidence.

NM_025179.4(PLXNA2):c.3784C>T (p.Arg1262Cys)

Gene: PLXNA2 (plexin A2; minus strand). Cytogenetic location: 1q32.2.
Variant type: single nucleotide variant.
Coding change: c.3784C>T on transcript NM_025179.4 (MANE Select); coding-DNA position 3784, C replaced by T.
Protein change: p.Arg1262Cys; replaces arginine 1262 with cysteine.
Molecular consequence: missense variant.
Genome position (GRCh38, 1-based): chr1:208,044,598, G>A on the plus strand (C>T on the coding strand, the complement: PLXNA2 is on the minus strand). VCF-style: chr1-208044598-G-A. GRCh37 (hg19) VCF-style: chr1-208217943-G-A.
Other names: short protein forms R1262C.
Identifiers: ClinVar variation 4994889 (VCV004994889.1).